The following is an entry in ClinVar:

ClinVar aggregate classification (germline): Uncertain significance (1 of 4 stars; one submission).

Allele frequency attached by ClinVar (database versions not stated): ExAC 0.00001.
gnomAD v4.1: 1 of 1,400,164 alleles (0.000071%); highest among the groups gnomAD compares: South Asian, 0.0012%; no homozygotes.

Submission:

GeneDx
Classification: Uncertain significance. Last evaluated: 2022-11-29. Review status: criteria provided, single submitter. Criteria: GeneDx Variant Classification Process June 2021. Collection method: clinical testing. Allele origin: germline. Affected: yes.
Comment: Has not been previously published as pathogenic or benign to our knowledge

NM_015267.4(CUX2):c.-4C>T

Gene: CUX2 (cut like homeobox 2; plus strand). Cytogenetic location: 12q24.11.
Variant type: single nucleotide variant.
Coding change: c.-4C>T on transcript NM_015267.4 (MANE Select); 4 bases upstream of the start codon, C replaced by T.
Molecular consequence: 5 prime UTR variant.
Genome position (GRCh38, 1-based): chr12:111,034,174, C>T. VCF-style: chr12-111034174-C-T. GRCh37 (hg19) VCF-style: chr12-111471978-C-T.
Identifiers: ClinVar variation 2504407 (VCV002504407.1), dbSNP rs767663899, ClinGen allele CA6788133.
Genomic context (GRCh38, chr12:111,034,174, plus strand): 5'-ATATTGAGTGCAGCCATTGAGAAAAGCCAAACTCTTGTGTGTGCGCGTCTCGATAGCCCC[C>T]AAGATGGCCGCCAATGTGGGATCGATGTTTCAATATTGGAAGCGATTTGATCTACGGCGA-3'